The following is an entry in ClinVar:

NM_000875.5(IGF1R):c.3788T>G (p.Ile1263Ser)

Gene: IGF1R (insulin like growth factor 1 receptor; plus strand). Cytogenetic location: 15q26.3.
Variant type: single nucleotide variant.
Coding change: c.3788T>G on transcript NM_000875.5 (MANE Select); coding-DNA position 3788, T replaced by G.
Protein change: p.Ile1263Ser; replaces isoleucine 1263 with serine.
Molecular consequence: missense variant.
Genome position (GRCh38, 1-based): chr15:98,957,126, T>G. VCF-style: chr15-98957126-T-G. GRCh37 (hg19) VCF-style: chr15-99500355-T-G.
Other names: c.3785T>G, p.Ile1262Ser (NM_001291858.2); short protein forms I1262S, I1263S.
Identifiers: ClinVar variation 3366629 (VCV003366629.1).

ClinVar aggregate classification (germline): Uncertain significance (1 of 4 stars; one submission).

gnomAD v4.1: 6 of 1,614,072 alleles (0.00037%); highest among the groups gnomAD compares: Admixed American, 0.0017%; no homozygotes.

Submission:

Women's Health and Genetics/Laboratory Corporation of America, LabCorp
Classification: Uncertain significance. Last evaluated: 2024-08-23. Review status: criteria provided, single submitter. Criteria: LabCorp Variant Classification Summary - May 2015. Collection method: clinical testing. Allele origin: germline.
Comment: Variant summary: IGF1R c.3788T>G (p.Ile1263Ser) results in a non-conservative amino acid change located in the Protein kinase domain of the encoded protein sequence. Five of five in-silico tools predict a damaging effect of the variant on protein function. The variant was absent in 251492 control chromosomes. The available data on variant occurrences in the general population are insufficient to allow any conclusion about variant significance. To our knowledge, no occurrence of c.3788T>G in individuals affected with Growth Delay Due To Insulin-Like Growth Factor I Resistance and no experimental evidence demonstrating its impact on protein function have been reported. No submitters have cited clinical-significance assessments for this variant to ClinVar. Based on the evidence outlined above, the variant was classified as uncertain significance.